The following is an entry in ClinVar:

NM_015656.2(KIF26A):c.4145C>T (p.Pro1382Leu)

Gene: KIF26A (kinesin family member 26A; plus strand). Cytogenetic location: 14q32.33.
Variant type: single nucleotide variant.
Coding change: c.4145C>T on transcript NM_015656.2 (MANE Select); coding-DNA position 4145, C replaced by T.
Protein change: p.Pro1382Leu; replaces proline 1382 with leucine.
Molecular consequence: missense variant.
Genome position (GRCh38, 1-based): chr14:104,176,933, C>T. VCF-style: chr14-104176933-C-T. GRCh37 (hg19) VCF-style: chr14-104643270-C-T.
Other names: short protein forms P1382L.
Identifiers: ClinVar variation 2222818 (VCV002222818.3), dbSNP rs755580693, ClinGen allele CA7371192.

ClinVar aggregate classification (germline): Uncertain significance. Review status: criteria provided, multiple submitters, no conflicts (2 of 4 stars). 2 submissions from 2 submitters: Uncertain significance (2). Last evaluated 2025-11-07.

Allele frequency attached by ClinVar (database versions not stated): gnomAD 0.00003; TOPMed 0.00006; ExAC 0.00009.
gnomAD v4.1: 200 of 1,536,284 alleles (0.013%); highest among the groups gnomAD compares: Non-Finnish European, 0.016%; 1 homozygote.

Submissions (2):

Labcorp Genetics (formerly Invitae), Labcorp
Classification: Uncertain significance. Last evaluated: 2025-11-07. Review status: criteria provided, single submitter. Criteria: Invitae Variant Classification Sherloc (09022015). Collection method: clinical testing. Allele origin: germline.
Comment: This sequence change replaces proline, which is neutral and non-polar, with leucine, which is neutral and non-polar, at codon 1382 of the KIF26A protein (p.Pro1382Leu). This variant is present in population databases (rs755580693, gnomAD 0.01%). This variant has not been reported in the literature in individuals affected with KIF26A-related conditions. ClinVar contains an entry for this variant (Variation ID: 2222818). An algorithm developed to predict the effect of missense changes on protein structure and function outputs the following: PolyPhen-2: "Benign". The leucine amino acid residue is found in multiple mammalian species, which suggests that this missense change does not adversely affect protein function. In summary, the available evidence is currently insufficient to determine the role of this variant in disease. Therefore, it has been classified as a Variant of Uncertain Significance.

Ambry Genetics
Classification: Uncertain significance. Last evaluated: 2023-12-22. Review status: criteria provided, single submitter. Criteria: Ambry Variant Classification Scheme 2023. Collection method: clinical testing. Allele origin: germline.